The following is an entry in ClinVar:

NM_183065.4(TMEM107):c.296T>G (p.Phe99Cys)

Genes: TMEM107 (transmembrane protein 107; minus strand), LOC105371520 (uncharacterized LOC105371520; plus strand). Cytogenetic location: 17p13.1.
Variant type: single nucleotide variant.
Coding change: c.296T>G on transcript NM_183065.4 (MANE Select); coding-DNA position 296, T replaced by G.
Protein change: p.Phe99Cys; replaces phenylalanine 99 with cysteine.
Molecular consequence: missense variant. On other transcripts: intron variant (1).
Genome position (GRCh38, 1-based): chr17:8,174,577, A>C on the plus strand (T>G on the coding strand, the complement: TMEM107 is on the minus strand). VCF-style: chr17-8174577-A-C. GRCh37 (hg19) VCF-style: chr17-8077895-A-C.
Other names: c.314T>G, p.Phe105Cys (NM_001351278.2, NM_032354.5); c.296T>G, p.Phe99Cys (NM_001351279.2); c.156-305T>G (NM_001351280.2); short protein forms F105C, F99C.
Identifiers: ClinVar variation 2052075 (VCV002052075.4), dbSNP rs2507717091, ClinGen allele CA397970149.

ClinVar aggregate classification (germline): Uncertain significance (1 of 4 stars; one submission).

Allele frequency attached by ClinVar (database versions not stated): gnomAD exomes 0.00001.
gnomAD v4.1: 8 of 1,614,066 alleles (0.0005%); highest among the groups gnomAD compares: Non-Finnish European, 0.00068%; no homozygotes.

Submission:

Labcorp Genetics (formerly Invitae), Labcorp
Classification: Uncertain significance. Last evaluated: 2021-12-21. Review status: criteria provided, single submitter. Criteria: Invitae Variant Classification Sherloc (09022015). Collection method: clinical testing. Allele origin: germline.
Comment: This variant has not been reported in the literature in individuals affected with TMEM107-related conditions. In summary, the available evidence is currently insufficient to determine the role of this variant in disease. Therefore, it has been classified as a Variant of Uncertain Significance. Algorithms developed to predict the effect of missense changes on protein structure and function are either unavailable or do not agree on the potential impact of this missense change (SIFT: "Tolerated"; PolyPhen-2: "Probably Damaging"; Align-GVGD: "Class C0"). This variant is not present in population databases (gnomAD no frequency). This sequence change replaces phenylalanine, which is neutral and non-polar, with cysteine, which is neutral and slightly polar, at codon 105 of the TMEM107 protein (p.Phe105Cys).